The following is an entry in ClinVar:

NM_000264.5(PTCH1):c.945+5G>C

Gene: PTCH1 (patched 1; minus strand). Cytogenetic location: 9q22.32.
Variant type: single nucleotide variant.
Coding change: c.945+5G>C on transcript NM_000264.5 (MANE Select); 5 bases into the intron after coding-DNA position 945, G replaced by C.
Molecular consequence: intron variant.
Genome position (GRCh38, 1-based): chr9:95,480,385, C>G on the plus strand (G>C on the coding strand, the complement: PTCH1 is on the minus strand). VCF-style: chr9-95480385-C-G. GRCh37 (hg19) VCF-style: chr9-98242667-C-G.
Other names: c.942+5G>C (NM_001083603.3); c.747+5G>C (NM_001083602.3); c.945+5G>C (NM_001354918.2); c.492+5G>C (NM_001083605.3, NM_001083604.3, NM_001083606.3 and 1 more transcripts).
Identifiers: ClinVar variation 2757640 (VCV002757640.3), dbSNP rs1588609575, ClinGen allele CA645567517.
Genomic context (GRCh38, chr9:95,480,385, plus strand): 5'-ATGAATGGACACAAAAAAGTGTTTTGCTCTCCACCCTTCTGAGAGCGCTCACTGCTGGTA[C>G]TCACTTTGGTTGAATTTTTGTTGGGGGCTGTGGCGGGGCAGTCTGGATCGGCCGGATTGA-3'

ClinVar aggregate classification (germline): Likely pathogenic (1 of 4 stars; one submission).

Conditions:
Gorlin syndrome. Also called: Nevoid Basal Cell Carcinoma Syndrome; Basal cell nevus syndrome. Identifiers: Orphanet 377, MedGen C0004779, MONDO:0007187.

Submission:

Labcorp Genetics (formerly Invitae), Labcorp
Classification: Likely pathogenic for Gorlin syndrome. Last evaluated: 2023-12-04. Review status: criteria provided, single submitter. Criteria: Invitae Variant Classification Sherloc (09022015). Collection method: clinical testing. Allele origin: germline.
Comment: This sequence change falls in intron 6 of the PTCH1 gene. It does not directly change the encoded amino acid sequence of the PTCH1 protein. It affects a nucleotide within the consensus splice site. This variant is not present in population databases (gnomAD no frequency). This variant has been observed in individual(s) with clinical features of basal cell nevus syndrome (Invitae). It has also been observed to segregate with disease in related individuals. Variants that disrupt the consensus splice site are a relatively common cause of aberrant splicing (PMID: 17576681, 9536098). Algorithms developed to predict the effect of sequence changes on RNA splicing suggest that this variant may disrupt the consensus splice site. In summary, the currently available evidence indicates that the variant is pathogenic, but additional data are needed to prove that conclusively. Therefore, this variant has been classified as Likely Pathogenic.

Literature cited by the submitters: PubMed 17576681; PubMed 9536098.